The following is an entry in ClinVar:

ClinVar aggregate classification (germline): Likely benign. Review status: criteria provided, multiple submitters, no conflicts (2 of 4 stars). 2 submissions from 2 submitters: Likely benign (2). Last evaluated 2022-11-29.

Conditions:
Hereditary breast ovarian cancer syndrome. Also called: Hereditary breast and/or ovarian cancer syndrome; Hereditary breast and ovarian cancer syndrome; Hereditary breast and ovarian cancer syndrome (HBOC); Hereditary breast and ovarian cancer; BRCA1- and BRCA2-Associated Hereditary Breast and Ovarian Cancer; Breast and ovarian cancer. Identifiers: Orphanet 145, MedGen C0677776, MeSH D061325, MONDO:0003582. Disease mechanism: loss of function.

Allele frequency attached by ClinVar (database versions not stated): gnomAD exomes below 0.00001 and 0.00001; ExAC 0.00001.
gnomAD v4.1: 7 of 1,611,062 alleles (0.00043%); highest among the groups gnomAD compares: Non-Finnish European, 0.00059%; no homozygotes.

Submissions (2):

Labcorp Genetics (formerly Invitae), Labcorp
Classification: Likely benign for Hereditary breast ovarian cancer syndrome. Last evaluated: 2022-11-29. Review status: criteria provided, single submitter. Criteria: Invitae Variant Classification Sherloc (09022015). Collection method: clinical testing. Allele origin: germline.

GeneDx
Classification: Likely benign. Last evaluated: 2016-07-18. Review status: criteria provided, single submitter. Criteria: GeneDx Variant Classification (06012015). Collection method: clinical testing. Allele origin: germline. Affected: yes.
Comment: This variant is considered likely benign or benign based on one or more of the following criteria: it is a conservative change, it occurs at a poorly conserved position in the protein, it is predicted to be benign by multiple in silico algorithms, and/or has population frequency not consistent with disease.

NM_000059.4(BRCA2):c.68-20G>T

Gene: BRCA2 (BRCA2 DNA repair associated; plus strand). Cytogenetic location: 13q13.1.
Variant type: single nucleotide variant.
Coding change: c.68-20G>T on transcript NM_000059.4 (MANE Select); 20 bases into the intron before coding-DNA position 68, G replaced by T.
Molecular consequence: intron variant.
Genome position (GRCh38, 1-based): chr13:32,319,057, G>T. VCF-style: chr13-32319057-G-T. GRCh37 (hg19) VCF-style: chr13-32893194-G-T.
Identifiers: ClinVar variation 381496 (VCV000381496.9), dbSNP rs770475551, ClinGen allele CA6940317.